The following is an entry in ClinVar:

NM_001194998.2(CEP152):c.3847C>T (p.Arg1283Cys)

Gene: CEP152 (centrosomal protein 152; minus strand). Cytogenetic location: 15q21.1.
Variant type: single nucleotide variant.
Coding change: c.3847C>T on transcript NM_001194998.2 (MANE Select); coding-DNA position 3847, C replaced by T.
Protein change: p.Arg1283Cys; replaces arginine 1283 with cysteine.
Molecular consequence: missense variant.
Genome position (GRCh38, 1-based): chr15:48,742,089, G>A on the plus strand (C>T on the coding strand, the complement: CEP152 is on the minus strand). VCF-style: chr15-48742089-G-A. GRCh37 (hg19) VCF-style: chr15-49034286-G-A.
Other names: c.3679C>T, p.Arg1227Cys (NM_014985.4); c.3679C>T (NM_014985.3); short protein forms R1283C, R1227C.
Identifiers: ClinVar variation 1471328 (VCV001471328.6), dbSNP rs753625578, ClinGen allele CA7548249.

ClinVar aggregate classification (germline): Uncertain significance. Review status: criteria provided, multiple submitters, no conflicts (2 of 4 stars). 2 submissions from 2 submitters: Uncertain significance (2). Last evaluated 2024-07-03.

Conditions:
Inborn genetic diseases. Identifiers: MedGen C0950123, MeSH D030342.

Allele frequency attached by ClinVar (database versions not stated): gnomAD exomes 0.00001 and 0.00002; TOPMed 0.00001; ExAC 0.00002; gnomAD 0.00003.
gnomAD v4.1: 12 of 1,613,822 alleles (0.00074%); highest among the groups gnomAD compares: African/African-American, 0.0067%; no homozygotes.

Submissions (2):

Labcorp Genetics (formerly Invitae), Labcorp
Classification: Uncertain significance. Last evaluated: 2024-07-03. Review status: criteria provided, single submitter. Criteria: Invitae Variant Classification Sherloc (09022015). Collection method: clinical testing. Allele origin: germline.
Comment: This sequence change replaces arginine, which is basic and polar, with cysteine, which is neutral and slightly polar, at codon 1227 of the CEP152 protein (p.Arg1227Cys). This variant is present in population databases (rs753625578, gnomAD 0.01%). This variant has not been reported in the literature in individuals affected with CEP152-related conditions. ClinVar contains an entry for this variant (Variation ID: 1471328). Advanced modeling of protein sequence and biophysical properties (such as structural, functional, and spatial information, amino acid conservation, physicochemical variation, residue mobility, and thermodynamic stability) performed at Invitae indicates that this missense variant is not expected to disrupt CEP152 protein function with a negative predictive value of 80%. Algorithms developed to predict the effect of sequence changes on RNA splicing suggest that this variant may create or strengthen a splice site. In summary, the available evidence is currently insufficient to determine the role of this variant in disease. Therefore, it has been classified as a Variant of Uncertain Significance.

Ambry Genetics
Classification: Uncertain significance for Inborn genetic diseases. Last evaluated: 2022-03-28. Review status: criteria provided, single submitter. Criteria: Ambry Variant Classification Scheme 2023. Collection method: clinical testing. Allele origin: germline.